The following is an entry in ClinVar:

ClinVar aggregate classification (germline): Uncertain significance. Review status: criteria provided, multiple submitters, no conflicts (2 of 4 stars). 2 submissions from 2 submitters: Uncertain significance (2). Last evaluated 2025-08-28.

Conditions:
Xanthinuria type II. Also called: Xanthine dehydrogenase and aldehyde oxidase combined deficiency of; XDH and AOX dual deficiency. Identifiers: Orphanet 3467, Orphanet 93602, MedGen C1863688, MONDO:0011346, OMIM 603592.

gnomAD v4.1: 112 of 1,613,668 alleles (0.0069%); highest among the groups gnomAD compares: Non-Finnish European, 0.0089%; no homozygotes.

Submissions (2):

Ambry Genetics
Classification: Uncertain significance. Last evaluated: 2025-08-28. Review status: criteria provided, single submitter. Criteria: Ambry Variant Classification Scheme 2023. Collection method: clinical testing. Allele origin: germline.

MVZ Medizinische Genetik Mainz
Classification: Uncertain significance for Xanthinuria type II. Last evaluated: 2025-01-06. Review status: criteria provided, single submitter. Criteria: UK Practice Guidelines For Variant Classification V4 01 2020. Collection method: clinical testing. Allele origin: germline. Inheritance: Autosomal recessive inheritance. Affected: yes. Observed: 1 variant allele.
Comment: ACMG Criteria: PM2_SUP,PM3_SUP,PP3,PP4

NM_017947.4(MOCOS):c.1840C>T (p.Arg614Trp)

Gene: MOCOS (molybdenum cofactor sulfurase; plus strand). Cytogenetic location: 18q12.2.
Variant type: single nucleotide variant.
Coding change: c.1840C>T on transcript NM_017947.4 (MANE Select); coding-DNA position 1840, C replaced by T.
Protein change: p.Arg614Trp; replaces arginine 614 with tryptophan.
Molecular consequence: missense variant.
Genome position (GRCh38, 1-based): chr18:36,220,097, C>T. VCF-style: chr18-36220097-C-T. GRCh37 (hg19) VCF-style: chr18-33800060-C-T.
Other names: c.1840C>T (NM_017947.2); short protein forms R614W.
Identifiers: ClinVar variation 3601976 (VCV003601976.2).